The following is an entry in ClinVar:

NM_001166108.2(PALLD):c.353C>G (p.Ser118Ter)

Gene: PALLD (palladin, cytoskeletal associated protein; plus strand). Cytogenetic location: 4q32.3.
Variant type: single nucleotide variant.
Coding change: c.353C>G on transcript NM_001166108.2 (MANE Select); coding-DNA position 353, C replaced by G.
Protein change: p.Ser118Ter; replaces serine 118 with a stop codon.
Molecular consequence: nonsense.
Genome position (GRCh38, 1-based): chr4:168,511,857, C>G. VCF-style: chr4-168511857-C-G. GRCh37 (hg19) VCF-style: chr4-169433008-C-G.
Other names: c.353C>G, p.Ser118Ter (NM_016081.4); short protein forms S118*.
Identifiers: ClinVar variation 1703039 (VCV001703039.2), dbSNP rs200145539, ClinGen allele CA3135345.

ClinVar aggregate classification (germline): Likely benign (0 of 4 stars; one submission).

Conditions:
Pancreatic cancer, susceptibility to, 1. Identifiers: Orphanet 1333, MedGen C1847351, MONDO:0011739, OMIM 606856.

Allele frequency attached by ClinVar (database versions not stated): gnomAD 0.00001; TOPMed 0.00001; gnomAD exomes 0.00002; ExAC 0.00012.
gnomAD v4.1: 30 of 1,613,972 alleles (0.0019%); highest among the groups gnomAD compares: Non-Finnish European, 0.0025%; no homozygotes.

Submission:

University of Washington Department of Laboratory Medicine, University of Washington
Classification: Likely benign for Pancreatic cancer, susceptibility to, 1. Last evaluated: 2022-07-26. Review status: no assertion criteria provided. Collection method: clinical testing. Allele origin: unknown. Affected: no.
Comment: This variant is present 21 times in the Genome Aggregation Database (gnomAD), which aims to exclude individuals with severe pediatric disease. GnomAD data for the PALLD gene indicates that it likely tolerates loss-of-function variants. Some missense variants in PALLD have been associated with increased pancreatic cancer risk (Pogue-Geile 2006, Liotta 2021); however, this remains contested within the medical community and literature (Zogopoulos 2007). Heterozygous protein truncating variants in PALLD have not been previously reported as associated with increased cancer risk. Given the absence of this variant in ClinVar and the prevalence in gnomAD with no reported disease cases, the current classification for PALLD c.353C>G (p.S118X) is likely benign.

Literature cited by the submitters: PubMed 17194196; PubMed 33764904; PubMed 17415588.